The following is an entry in ClinVar:

ClinVar aggregate classification (germline): Likely benign. Review status: criteria provided, multiple submitters, no conflicts (2 of 4 stars). 2 submissions from 2 submitters: Likely benign (2). Last evaluated 2026-01-07.

Allele frequency attached by ClinVar (database versions not stated): ExAC 0.00003; gnomAD 0.00004; ESP Exome Variant Server 0.00008; TOPMed 0.00008.
gnomAD v4.1: 47 of 1,612,902 alleles (0.0029%); highest among the groups gnomAD compares: East Asian, 0.042%; no homozygotes.

Submissions (2):

Labcorp Genetics (formerly Invitae), Labcorp
Classification: Likely benign. Last evaluated: 2026-01-07. Review status: criteria provided, single submitter. Criteria: Invitae Variant Classification Sherloc (09022015). Collection method: clinical testing. Allele origin: germline.

CeGaT Center for Human Genetics Tuebingen
Classification: Likely benign. Last evaluated: 2024-07-01. Review status: criteria provided, single submitter. Criteria: CeGaT Center For Human Genetics Tuebingen Variant Classification Criteria Version 2. Collection method: clinical testing. Allele origin: germline. Affected: yes. Observed: 1 variant allele.
Comment: AHDC1: BP4, BP7

NM_001371928.1(AHDC1):c.2748C>T (p.Ser916=)

Gene: AHDC1 (AT-hook DNA binding motif containing 1; minus strand). Cytogenetic location: 1p36.11.
Variant type: single nucleotide variant.
Coding change: c.2748C>T on transcript NM_001371928.1 (MANE Select); coding-DNA position 2748, C replaced by T.
Protein change: p.Ser916=; no amino-acid change (serine 916 retained).
Molecular consequence: synonymous variant.
Genome position (GRCh38, 1-based): chr1:27,549,368, G>A on the plus strand (C>T on the coding strand, the complement: AHDC1 is on the minus strand). VCF-style: chr1-27549368-G-A. GRCh37 (hg19) VCF-style: chr1-27875879-G-A.
Other names: c.2748C>T, p.Ser916= (NM_001029882.3).
Identifiers: ClinVar variation 2993532 (VCV002993532.20), dbSNP rs373401870, ClinGen allele CA715706.